The following is an entry in ClinVar:

NM_000138.5(FBN1):c.203G>A (p.Cys68Tyr)

Gene: FBN1 (fibrillin 1; minus strand). Cytogenetic location: 15q21.1.
Variant type: single nucleotide variant.
Coding change: c.203G>A on transcript NM_000138.5 (MANE Select); coding-DNA position 203, G replaced by A.
Protein change: p.Cys68Tyr; replaces cysteine 68 with tyrosine.
Molecular consequence: missense variant.
Genome position (GRCh38, 1-based): chr15:48,613,054, C>T on the plus strand (G>A on the coding strand, the complement: FBN1 is on the minus strand). VCF-style: chr15-48613054-C-T. GRCh37 (hg19) VCF-style: chr15-48905251-C-T.
Other names: short protein forms C68Y.
Identifiers: ClinVar variation 649153 (VCV000649153.9), dbSNP rs1597633163, ClinGen allele CA392448432.

ClinVar aggregate classification (germline): Pathogenic/Likely pathogenic. Review status: criteria provided, multiple submitters, no conflicts (2 of 4 stars). 2 submissions from 2 submitters: Pathogenic (1); Likely pathogenic (1). Last evaluated 2019-12-30.

Conditions:
Familial thoracic aortic aneurysm and aortic dissection (TAAD). Also called: Thoracic aortic aneurysms and dissections. Identifiers: Orphanet 91387, MedGen C4707243, MONDO:0019625.
Marfan syndrome (MFS). Also called: FBN1-Related Marfan Syndrome; Marfan syndrome type 1; Marfan's syndrome; Marfan syndrome, classic; MARFAN SYNDROME, TYPE I. Identifiers: Orphanet 284963, Orphanet 558, MedGen C0024796, MONDO:0007947, OMIM 154700.

Submissions (2):

Human Genome Sequencing Center Clinical Lab, Baylor College of Medicine
Classification: Likely pathogenic for Marfan syndrome. Last evaluated: 2019-12-30. Review status: criteria provided, single submitter. Criteria: ACMG Guidelines, 2015. Collection method: clinical testing. Allele origin: germline.
Comment: This c.203G>A variant in the FBN1 gene results in the substitution of a cysteine amino acid with a tyrosine at codon 68 of the encoded Fibrillin-1 protein. Like other pathogenic FBN1 variants, this is a missense change involving a cysteine residue within the conserved EGF-like domain of Fibrillin-1. This variant is not present in population databases (gnomAD) and multiple lines of computational evidence support a deleterious effect on the protein product. Other missense variants at this same location (p.Cys68Ser, p.Cys68Tyr, p.Cys68Trp, p.Cys68Phe) have been observed in individuals with Marfan-related phenotypes (PMID: 17657824, 17679947,19293843). This variant has also been reported by Invitae in an individual with Marfan syndrome (RCV000804019). Therefore, this variant is classified as likely pathogenic.

Labcorp Genetics (formerly Invitae), Labcorp
Classification: Pathogenic for Marfan syndrome; Familial thoracic aortic aneurysm and aortic dissection. Last evaluated: 2018-12-17. Review status: criteria provided, single submitter. Criteria: Invitae Variant Classification Sherloc (09022015). Collection method: clinical testing. Allele origin: germline.
Comment: This sequence change replaces cysteine with tyrosine at codon 68 of the FBN1 protein (p.Cys68Tyr). The cysteine residue is highly conserved and there is a large physicochemical difference between cysteine and tyrosine. This variant is not present in population databases (ExAC no frequency). This variant affects a cysteine residue in the EGF-like, TGFBP or hybrid motif domains of FBN1. Cysteine residues are believed to be involved in intramolecular disulfide bridges and have been shown to be important for FBN1 protein structure (PMID: 16905551, 19349279). In addition, missense substitutions affecting cysteine residues within these domains are significantly overrepresented among patients with Marfan syndrome (PMID: 16571647, 17701892). This variant disrupts the p.Cys68 amino acid residue in FBN1. Other variant(s) that disrupt this residue have been observed in individuals with FBN1-related conditions (PMID: 17657824, 19293843, 17679947), suggesting that it is a clinically significant residue. As a result, variants that disrupt this residue are likely to be causative of disease. For these reasons, this variant has been classified as Pathogenic.

Literature cited by the submitters: PubMed 16905551 (cited by Labcorp Genetics (formerly Invitae), Labcorp); PubMed 19349279 (cited by Labcorp Genetics (formerly Invitae), Labcorp); PubMed 16571647 (cited by Labcorp Genetics (formerly Invitae), Labcorp); PubMed 17701892 (cited by Labcorp Genetics (formerly Invitae), Labcorp); PubMed 17657824 (cited by Labcorp Genetics (formerly Invitae), Labcorp); PubMed 19293843 (cited by Labcorp Genetics (formerly Invitae), Labcorp); PubMed 17679947 (cited by Labcorp Genetics (formerly Invitae), Labcorp).